The following is an entry in ClinVar:

NM_001365276.2(TNXB):c.5244G>A (p.Lys1748=)

Gene: TNXB (tenascin XB; minus strand). Cytogenetic location: 6p21.33.
Variant type: single nucleotide variant.
Coding change: c.5244G>A on transcript NM_001365276.2 (MANE Select); coding-DNA position 5244, G replaced by A.
Protein change: p.Lys1748=; no amino-acid change (lysine 1748 retained).
Molecular consequence: synonymous variant.
Genome position (GRCh38, 1-based): chr6:32,070,161, C>T on the plus strand (G>A on the coding strand, the complement: TNXB is on the minus strand). VCF-style: chr6-32070161-C-T. GRCh37 (hg19) VCF-style: chr6-32037938-C-T.
Other names: c.5244G>A, p.Lys1748= (NM_019105.8).
Identifiers: ClinVar variation 1746313 (VCV001746313.6), dbSNP rs772182693, ClinGen allele CA449821833.

ClinVar aggregate classification (germline): Likely benign. Review status: criteria provided, multiple submitters, no conflicts (2 of 4 stars). 3 submissions from 3 submitters: Likely benign (2). 1 of the submissions does not count toward it. Last evaluated 2024-11-27.

Conditions:
TNXB-related disorder. Also called: TNXB-related condition.
Cardiovascular phenotype. Identifiers: MedGen CN230736.

gnomAD v4.1: 21 of 1,597,968 alleles (0.0013%); highest among the groups gnomAD compares: Middle Eastern, 0.017%; no homozygotes.

Submissions (3):

Women's Health and Genetics/Laboratory Corporation of America, LabCorp
Classification: Likely benign. Last evaluated: 2024-11-27. Review status: criteria provided, single submitter. Criteria: LabCorp Variant Classification Summary - May 2015. Collection method: clinical testing. Allele origin: germline.

Ambry Genetics
Classification: Likely benign for Cardiovascular phenotype. Last evaluated: 2022-03-12. Review status: criteria provided, single submitter. Criteria: Ambry Variant Classification Scheme 2023. Collection method: clinical testing. Allele origin: germline.

PreventionGenetics, part of Exact Sciences
Classification: Likely benign for TNXB-related condition. Last evaluated: 2022-02-22. Review status: no assertion criteria provided. Collection method: clinical testing. Allele origin: germline. Not counted in ClinVar's aggregate classification.
Comment: This variant is classified as likely benign based on ACMG/AMP sequence variant interpretation guidelines (Richards et al. 2015 PMID: 25741868, with internal and published modifications).